The following is an entry in ClinVar:

NM_022436.3(ABCG5):c.1137G>C (p.Leu379Phe)

Genes: ABCG5 (ATP binding cassette subfamily G member 5; minus strand), DYNC2LI1 (dynein cytoplasmic 2 light intermediate chain 1; plus strand). Cytogenetic location: 2p21.
Variant type: single nucleotide variant.
Coding change: c.1137G>C on transcript NM_022436.3 (MANE Select); coding-DNA position 1137, G replaced by C.
Protein change: p.Leu379Phe; replaces leucine 379 with phenylalanine.
Molecular consequence: missense variant. On other transcripts: intron variant (2).
Genome position (GRCh38, 1-based): chr2:43,824,100, C>G on the plus strand (G>C on the coding strand, the complement: ABCG5 is on the minus strand). VCF-style: chr2-43824100-C-G. GRCh37 (hg19) VCF-style: chr2-44051239-C-G.
Other names: c.*16-3286C>G (NM_001348913.2, NM_001348912.2); short protein forms L379F.
Identifiers: ClinVar variation 2624492 (VCV002624492.4), dbSNP rs757559417, ClinGen allele CA346664413.
Genomic context (GRCh38, chr2:43,824,100, plus strand): 5'-GAACAAACCCATGATCAGATTCTGAAGGAGACGCGTAATCACTGCCAGCTTATTTCTCAC[C>G]AAGTTTCTTGTCACTCTCCTGAAAACAAACAACCCTGTTTTAATTCCTTTTCAGAATTGT-3'
Protein context (NP_071881.1, residues 369-389): GVLLRRVTRN[Leu379Phe]VRNKLAVITR

ClinVar aggregate classification (germline): Uncertain significance. Review status: criteria provided, multiple submitters, no conflicts (2 of 4 stars). 3 submissions from 3 submitters: Uncertain significance (3). Last evaluated 2025-12-12.

Conditions:
Cardiovascular phenotype. Identifiers: MedGen CN230736.
ABCG5-related disorder. Also called: ABCG5-related condition.

Allele frequency attached by ClinVar (database versions not stated): TOPMed 0.00001; gnomAD 0.00001.
gnomAD v4.1: 3 of 1,614,056 alleles (0.00019%); highest among the groups gnomAD compares: Non-Finnish European, 0.00025%; no homozygotes.

Submissions (3):

PreventionGenetics, part of Exact Sciences
Classification: Uncertain significance for ABCG5-related condition. Last evaluated: 2025-12-12. Review status: criteria provided, single submitter. Criteria: ACMG Guidelines, 2015. Collection method: clinical testing. Allele origin: germline.
Comment: The ABCG5 c.1137G>C variant is predicted to result in the amino acid substitution p.Leu379Phe. To our knowledge, this variant has not been reported in the literature or in a large population database (gnomAD), indicating this variant is rare. At this time, the clinical significance of this variant is uncertain due to the absence of conclusive functional and genetic evidence.

GeneDx
Classification: Uncertain significance. Last evaluated: 2024-08-11. Review status: criteria provided, single submitter. Criteria: GeneDx Variant Classification Process June 2021. Collection method: clinical testing. Allele origin: germline. Affected: yes.
Comment: Not observed at significant frequency in large population cohorts (gnomAD); In silico analysis indicates that this missense variant does not alter protein structure/function; Has not been previously published as pathogenic or benign to our knowledge

Ambry Genetics
Classification: Uncertain significance for Cardiovascular phenotype. Last evaluated: 2023-06-21. Review status: criteria provided, single submitter. Criteria: Ambry Variant Classification Scheme 2023. Collection method: clinical testing. Allele origin: germline.
Comment: The p.L379F variant (also known as c.1137G>C), located in coding exon 9 of the ABCG5 gene, results from a G to C substitution at nucleotide position 1137. The leucine at codon 379 is replaced by phenylalanine, an amino acid with highly similar properties. This amino acid position is conserved. In addition, this alteration is predicted to be tolerated by in silico analysis. Since supporting evidence is limited at this time, the clinical significance of this alteration remains unclear.